The following is an entry in ClinVar:

NM_201384.3(PLEC):c.13071C>T (p.Cys4357=)

Gene: PLEC (plectin; minus strand). Cytogenetic location: 8q24.3.
Variant type: single nucleotide variant.
Coding change: c.13071C>T on transcript NM_201384.3 (MANE Select); coding-DNA position 13071, C replaced by T.
Protein change: p.Cys4357=; no amino-acid change (cysteine 4357 retained).
Molecular consequence: synonymous variant.
Genome position (GRCh38, 1-based): chr8:143,916,750, G>A on the plus strand (C>T on the coding strand, the complement: PLEC is on the minus strand). VCF-style: chr8-143916750-G-A. GRCh37 (hg19) VCF-style: chr8-144990918-G-A.
Other names: c.13152C>T, p.Cys4384= (NM_000445.5); c.13029C>T, p.Cys4343= (NM_201378.4); c.13005C>T, p.Cys4335= (NM_201379.3); c.13482C>T, p.Cys4494= (NM_201380.4); c.12975C>T, p.Cys4325= (NM_201381.3); c.13071C>T, p.Cys4357= (NM_201382.4); c.13083C>T, p.Cys4361= (NM_201383.3).
Identifiers: ClinVar variation 196814 (VCV000196814.42), dbSNP rs202153947, ClinGen allele CA244226.

ClinVar aggregate classification (germline): Conflicting classifications of pathogenicity. Review status: criteria provided, conflicting classifications (1 of 4 stars). 5 submissions from 5 submitters: Uncertain significance (1); Likely benign (4). Last evaluated 2026-01-15.

Conditions:
Epidermolysis bullosa simplex, Ogna type (EBS5A). Also called: Pidermolysis bullosa simplex 5A, Ogna type; EPIDERMOLYSIS BULLOSA SIMPLEX 5A, OGNA TYPE. Identifiers: Orphanet 79401, MedGen C0432317, MONDO:0007555, OMIM 131950.
Epidermolysis bullosa simplex 5C, with pyloric atresia (EBS5C). Also called: PLEC-Related Epidermolysis Bullosa with Pyloric Atresia; Epidermolysis bullosa simplex with pyloric atresia; PLEC1-Related Epidermolysis Bullosa with Pyloric Atresia. Identifiers: Orphanet 158684, MedGen C2677349, MONDO:0012807, OMIM 612138.
Autosomal recessive limb-girdle muscular dystrophy type 2Q (LGMDR17). Also called: MUSCULAR DYSTROPHY, LIMB-GIRDLE, AUTOSOMAL RECESSIVE 17. Identifiers: Orphanet 254361, MedGen C3150989, MONDO:0013390, OMIM 613723.
Epidermolysis bullosa simplex with nail dystrophy (EBS5D). Identifiers: MedGen C4225309, MONDO:0014661, OMIM 616487.
Epidermolysis bullosa simplex 5B, with muscular dystrophy (EBS5B). Also called: EPIDERMOLYSIS BULLOSA SIMPLEX AND LIMB-GIRDLE MUSCULAR DYSTROPHY; Epidermolysis bullosa simplex with muscular dystrophy. Identifiers: Orphanet 257, MedGen C2931072, MONDO:0009181, OMIM 226670.

Allele frequency attached by ClinVar (database versions not stated): 1000 Genomes Project 30x 0.00016; 1000 Genomes Project 0.00020; gnomAD exomes 0.00025 and 0.00026; ExAC 0.00029; TOPMed 0.00031; ESP Exome Variant Server 0.00032; gnomAD 0.00040 and 0.00043.
gnomAD v4.1: 444 of 1,613,236 alleles (0.028%); highest among the groups gnomAD compares: Non-Finnish European, 0.031%; no homozygotes.

Submissions (5):

Labcorp Genetics (formerly Invitae), Labcorp
Classification: Likely benign for Autosomal recessive limb-girdle muscular dystrophy type 2Q; Epidermolysis bullosa simplex, Ogna type; Epidermolysis bullosa simplex with nail dystrophy; Epidermolysis bullosa simplex 5C, with pyloric atresia; Epidermolysis bullosa simplex 5B, with muscular dystrophy. Last evaluated: 2026-01-15. Review status: criteria provided, single submitter. Criteria: Invitae Variant Classification Sherloc (09022015). Collection method: clinical testing. Allele origin: germline.

Blueprint Genetics
Classification: Likely benign. Last evaluated: 2024-10-07. Review status: criteria provided, single submitter. Criteria: ACMG Guidelines, 2015. Collection method: clinical testing. Allele origin: germline.

CeGaT Center for Human Genetics Tuebingen
Classification: Likely benign. Last evaluated: 2023-03-01. Review status: criteria provided, single submitter. Criteria: CeGaT Center For Human Genetics Tuebingen Variant Classification Criteria Version 2. Collection method: clinical testing. Allele origin: germline. Affected: yes. Observed: 2 variant alleles.
Comment: PLEC: BP4, BP7

GeneDx
Classification: Likely benign. Last evaluated: 2018-11-28. Review status: criteria provided, single submitter. Criteria: GeneDx Variant Classification Process June 2021. Collection method: clinical testing. Allele origin: germline. Affected: yes.
Comment: See Variant Classification Assertion Criteria.

Eurofins Ntd Llc (ga)
Classification: Uncertain significance. Last evaluated: 2017-03-21. Review status: criteria provided, single submitter. Criteria: EGL Classification Definitions 2015. Collection method: clinical testing. Allele origin: germline. Observed: 3 variant alleles, 3 heterozygotes.